The following is an entry in ClinVar:

NM_145290.4(ADGRA3):c.2131G>A (p.Gly711Arg)

Gene: ADGRA3 (adhesion G protein-coupled receptor A3; minus strand). Cytogenetic location: 4p15.2.
Variant type: single nucleotide variant.
Coding change: c.2131G>A on transcript NM_145290.4 (MANE Select); coding-DNA position 2131, G replaced by A.
Protein change: p.Gly711Arg; replaces glycine 711 with arginine.
Molecular consequence: missense variant.
Genome position (GRCh38, 1-based): chr4:22,413,283, C>T on the plus strand (G>A on the coding strand, the complement: ADGRA3 is on the minus strand). VCF-style: chr4-22413283-C-T. GRCh37 (hg19) VCF-style: chr4-22414906-C-T.
Other names: short protein forms G711R.
Identifiers: ClinVar variation 1040494 (VCV001040494.8), dbSNP rs777675128, ClinGen allele CA2873727.
Genomic context (GRCh38, chr4:22,413,283, plus strand): 5'-TAGTGATATTTTCATCTGAATAGAGTATATGGCACCCATCTGACTTCCAGCCTCCTTGTC[C>T]GTTCAGCAAATCGAAATCCCACCGGGCTGCAACAGCATCTGCTCCATGTGCAATTCGACG-3'
Protein context (NP_660333.2, residues 701-721): AARWDFDLLN[Gly711Arg]QGGWKSDGCH

ClinVar aggregate classification (germline): Uncertain significance (1 of 4 stars; one submission).

Allele frequency attached by ClinVar (database versions not stated): ExAC 0.00001; gnomAD 0.00001; gnomAD exomes 0.00001; TOPMed 0.00003.
gnomAD v4.1: 14 of 1,613,898 alleles (0.00087%); highest among the groups gnomAD compares: Admixed American, 0.0033%; no homozygotes.

Submission:

Labcorp Genetics (formerly Invitae), Labcorp
Classification: Uncertain significance. Last evaluated: 2025-03-13. Review status: criteria provided, single submitter. Criteria: Invitae Variant Classification Sherloc (09022015). Collection method: clinical testing. Allele origin: germline.
Comment: This sequence change replaces glycine, which is neutral and non-polar, with arginine, which is basic and polar, at codon 711 of the ADGRA3 protein (p.Gly711Arg). This variant is present in population databases (rs777675128, gnomAD 0.003%). This variant has not been reported in the literature in individuals affected with ADGRA3-related conditions. ClinVar contains an entry for this variant (Variation ID: 1040494). An algorithm developed to predict the effect of missense changes on protein structure and function (PolyPhen-2) suggests that this variant is likely to be disruptive. In summary, the available evidence is currently insufficient to determine the role of this variant in disease. Therefore, it has been classified as a Variant of Uncertain Significance.